The following is an entry in ClinVar:

NM_000321.3(RB1):c.585G>A (p.Trp195Ter)

Gene: RB1 (RB transcriptional corepressor 1; plus strand). Cytogenetic location: 13q14.2.
Variant type: single nucleotide variant.
Coding change: c.585G>A on transcript NM_000321.3 (MANE Select); coding-DNA position 585, G replaced by A.
Protein change: p.Trp195Ter; replaces tryptophan 195 with a stop codon.
Molecular consequence: nonsense.
Genome position (GRCh38, 1-based): chr13:48,349,001, G>A. VCF-style: chr13-48349001-G-A. GRCh37 (hg19) VCF-style: chr13-48923137-G-A.
Other names: c.585G>A, p.Trp195Ter (NM_001407165.1, NM_001407166.1); short protein forms W195*.
Identifiers: ClinVar variation 3237137 (VCV003237137.3), dbSNP rs2138093662.

ClinVar aggregate classification (germline): Pathogenic. Review status: criteria provided, multiple submitters, no conflicts (2 of 4 stars). 2 submissions from 2 submitters: Pathogenic (2). Last evaluated 2024-10-16.

Conditions:
Retinoblastoma (RB1). Also called: RETINOBLASTOMA, SOMATIC. Identifiers: Orphanet 790, MedGen C0035335, MeSH D012175, MONDO:0008380, OMIM 180200, HP:0009919. Disease mechanism: loss of function. Inheritance: Both sporadic and heritable forms are tested..

Submissions (2):

Labcorp Genetics (formerly Invitae), Labcorp
Classification: Pathogenic for Retinoblastoma. Last evaluated: 2024-10-16. Review status: criteria provided, single submitter. Criteria: Invitae Variant Classification Sherloc (09022015). Collection method: clinical testing. Allele origin: germline.
Comment: This sequence change creates a premature translational stop signal (p.Trp195*) in the RB1 gene. It is expected to result in an absent or disrupted protein product. Loss-of-function variants in RB1 are known to be pathogenic (PMID: 17096365). This variant is not present in population databases (gnomAD no frequency). This premature translational stop signal has been observed in individual(s) with RB1-related conditions (PMID: 28193182, 30031154). In at least one individual the variant was observed to be de novo. For these reasons, this variant has been classified as Pathogenic.

Genetic Diagnostic Laboratory, University of Pennsylvania School of Medicine
Classification: Pathogenic for Retinoblastoma. Last evaluated: 2024-05-20. Review status: criteria provided, single submitter. Criteria: ACMG Guidelines, 2015. Collection method: clinical testing. Allele origin: germline. Affected: yes. Observed: 1 variant allele.
Comment: Case and Pedigree Information: BILATERAL CASES:1, UNILATERAL CASES:0, TOTAL CASES:1, PEDIGREES:1. ACMG Codes Applied:PVS1, PM2

Literature cited by the submitters: PubMed 17096365 (cited by Labcorp Genetics (formerly Invitae), Labcorp); PubMed 28193182 (cited by Labcorp Genetics (formerly Invitae), Labcorp); PubMed 30031154 (cited by Labcorp Genetics (formerly Invitae), Labcorp).